The following is an entry in ClinVar:

ClinVar aggregate classification (germline): Uncertain significance (1 of 4 stars; one submission).

Submission:

GeneDx
Classification: Uncertain significance. Last evaluated: 2025-04-07. Review status: criteria provided, single submitter. Criteria: GeneDx Variant Classification Process June 2021. Collection method: clinical testing. Allele origin: germline. Affected: yes.
Comment: Not observed at significant frequency in large population cohorts (gnomAD); In silico analysis indicates that this missense variant does not alter protein structure/function; Has not been previously published as pathogenic or benign to our knowledge

NM_001384474.1(LOXHD1):c.2909T>A (p.Met970Lys)

Gene: LOXHD1 (lipoxygenase homology PLAT domains 1; minus strand). Cytogenetic location: 18q21.1.
Variant type: single nucleotide variant.
Coding change: c.2909T>A on transcript NM_001384474.1 (MANE Select); coding-DNA position 2909, T replaced by A.
Protein change: p.Met970Lys; replaces methionine 970 with lysine.
Molecular consequence: missense variant.
Genome position (GRCh38, 1-based): chr18:46,560,235, A>T on the plus strand (T>A on the coding strand, the complement: LOXHD1 is on the minus strand). VCF-style: chr18-46560235-A-T. GRCh37 (hg19) VCF-style: chr18-44140198-A-T.
Other names: c.2909T>A, p.Met970Lys (NM_144612.7); short protein forms M970K.
Identifiers: ClinVar variation 4281948 (VCV004281948.1).
Genomic context (GRCh38, chr18:46,560,235, plus strand): 5'-TGCTGCTCAATCACCTCCTGCATCCCCGGCCCAAACTCCTCCTCTTCCTCCTCTTCTTCC[A>T]TCTCCTCCTCCTCTGACGAGGACTCCTCTGATGAGGACGACTCCTCTTCCTCCCCCTCGT-3'
Protein context (NP_001371403.1, residues 960-980): SEESSSEEEE[Met970Lys]EEEEEEEEFG